The following is an entry in ClinVar:

ClinVar aggregate classification (germline): Uncertain significance (1 of 4 stars; one submission).

Conditions:
Charcot-Marie-Tooth disease type 2. Also called: Charcot-Marie-Tooth type 2. Identifiers: Orphanet 64746, MedGen C0270914, MONDO:0018993.

Allele frequency attached by ClinVar (database versions not stated): gnomAD exomes below 0.00001.
gnomAD v4.1: 6 of 1,614,210 alleles (0.00037%); highest among the groups gnomAD compares: Non-Finnish European, 0.00051%; no homozygotes.

Submission:

Labcorp Genetics (formerly Invitae), Labcorp
Classification: Uncertain significance for Charcot-Marie-Tooth disease type 2. Last evaluated: 2023-02-18. Review status: criteria provided, single submitter. Criteria: Invitae Variant Classification Sherloc (09022015). Collection method: clinical testing. Allele origin: germline.
Comment: This variant has not been reported in the literature in individuals affected with AARS-related conditions. This variant is not present in population databases (gnomAD no frequency). This sequence change replaces lysine, which is basic and polar, with glutamic acid, which is acidic and polar, at codon 531 of the AARS protein (p.Lys531Glu). In summary, the available evidence is currently insufficient to determine the role of this variant in disease. Therefore, it has been classified as a Variant of Uncertain Significance. Advanced modeling of protein sequence and biophysical properties (such as structural, functional, and spatial information, amino acid conservation, physicochemical variation, residue mobility, and thermodynamic stability) performed at Invitae indicates that this missense variant is not expected to disrupt AARS protein function.

NM_001605.3(AARS1):c.1591A>G (p.Lys531Glu)

Gene: AARS1 (alanyl-tRNA synthetase 1; minus strand). Cytogenetic location: 16q22.1.
Variant type: single nucleotide variant.
Coding change: c.1591A>G on transcript NM_001605.3 (MANE Select); coding-DNA position 1591, A replaced by G.
Protein change: p.Lys531Glu; replaces lysine 531 with glutamic acid.
Molecular consequence: missense variant.
Genome position (GRCh38, 1-based): chr16:70,262,426, T>C on the plus strand (A>G on the coding strand, the complement: AARS1 is on the minus strand). VCF-style: chr16-70262426-T-C. GRCh37 (hg19) VCF-style: chr16-70296329-T-C.
Other names: short protein forms K531E.
Identifiers: ClinVar variation 2916003 (VCV002916003.3), dbSNP rs779166139, ClinGen allele CA283433196.